The following is an entry in ClinVar:

ClinVar aggregate classification (germline): Uncertain significance. Review status: criteria provided, multiple submitters, no conflicts (2 of 4 stars). 2 submissions from 2 submitters: Uncertain significance (2). Last evaluated 2024-05-31.

Conditions:
Parathyroid carcinoma (PRTC). Also called: CDC73-Related Parathyroid Carcinoma; Parathyroid gland carcinoma. Identifiers: Orphanet 143, MedGen C0687150, MONDO:0012004, OMIM 608266, HP:0006780.
Hereditary cancer-predisposing syndrome. Also called: Hereditary Cancer Syndrome; Neoplastic Syndromes, Hereditary; Tumor predisposition; Hereditary neoplastic syndrome. Identifiers: Orphanet 140162, MedGen C0027672, MeSH D009386, MONDO:0015356.

Allele frequency attached by ClinVar (database versions not stated): gnomAD exomes below 0.00001; TOPMed 0.00001.
gnomAD v4.1: 4 of 1,612,798 alleles (0.00025%); highest among the groups gnomAD compares: Non-Finnish European, 0.00034%; no homozygotes.

Submissions (2):

Ambry Genetics
Classification: Uncertain significance for Hereditary cancer-predisposing syndrome. Last evaluated: 2024-05-31. Review status: criteria provided, single submitter. Criteria: Ambry Variant Classification Scheme 2023. Collection method: clinical testing. Allele origin: germline.
Comment: The p.Q284H variant (also known as c.852G>C), located in coding exon 9 of the CDC73 gene, results from a G to C substitution at nucleotide position 852. The glutamine at codon 284 is replaced by histidine, an amino acid with highly similar properties. This amino acid position is well conserved in available vertebrate species. In addition, this alteration is predicted to be tolerated by in silico analysis. Since supporting evidence is limited at this time, the clinical significance of this alteration remains unclear.

Labcorp Genetics (formerly Invitae), Labcorp
Classification: Uncertain significance for Parathyroid carcinoma. Last evaluated: 2023-08-02. Review status: criteria provided, single submitter. Criteria: Invitae Variant Classification Sherloc (09022015). Collection method: clinical testing. Allele origin: germline.
Comment: This variant is present in population databases (rs773602413, gnomAD 0.007%). This variant has not been reported in the literature in individuals affected with CDC73-related conditions. ClinVar contains an entry for this variant (Variation ID: 1024089). Advanced modeling of protein sequence and biophysical properties (such as structural, functional, and spatial information, amino acid conservation, physicochemical variation, residue mobility, and thermodynamic stability) performed at Invitae indicates that this missense variant is not expected to disrupt CDC73 protein function. In summary, the available evidence is currently insufficient to determine the role of this variant in disease. Therefore, it has been classified as a Variant of Uncertain Significance. This sequence change replaces glutamine, which is neutral and polar, with histidine, which is basic and polar, at codon 284 of the CDC73 protein (p.Gln284His).

NM_024529.5(CDC73):c.852G>C (p.Gln284His)

Gene: CDC73 (cell division cycle 73; plus strand). Cytogenetic location: 1q31.2.
Variant type: single nucleotide variant.
Coding change: c.852G>C on transcript NM_024529.5 (MANE Select); coding-DNA position 852, G replaced by C.
Protein change: p.Gln284His; replaces glutamine 284 with histidine.
Molecular consequence: missense variant.
Genome position (GRCh38, 1-based): chr1:193,150,327, G>C. VCF-style: chr1-193150327-G-C. GRCh37 (hg19) VCF-style: chr1-193119457-G-C.
Other names: short protein forms Q284H.
Identifiers: ClinVar variation 1024089 (VCV001024089.11), dbSNP rs773602413, ClinGen allele CA34379467.